The following is an entry in ClinVar:

ClinVar aggregate classification (germline): Likely benign (0 of 4 stars; one submission).

Conditions:
DNMT3A-related disorder. Also called: DNMT3A-related disorders; DNMT3A-related condition.

Allele frequency attached by ClinVar (database versions not stated): ExAC 0.00005; gnomAD exomes 0.00007; gnomAD 0.00009; TOPMed 0.00010; ESP Exome Variant Server 0.00015; 1000 Genomes Project 30x 0.00016; 1000 Genomes Project 0.00020.
gnomAD v4.1: 117 of 1,614,066 alleles (0.0072%); highest among the groups gnomAD compares: Middle Eastern, 0.033%; no homozygotes.

Submission:

PreventionGenetics, part of Exact Sciences
Classification: Likely benign for DNMT3A-related condition. Last evaluated: 2021-09-30. Review status: no assertion criteria provided. Collection method: clinical testing. Allele origin: germline.
Comment: This variant is classified as likely benign based on ACMG/AMP sequence variant interpretation guidelines (Richards et al. 2015 PMID: 25741868, with internal and published modifications).

NM_022552.5(DNMT3A):c.640-1438C>T

Gene: DNMT3A (DNA methyltransferase 3 alpha; minus strand). Cytogenetic location: 2p23.3.
Variant type: single nucleotide variant.
Coding change: c.640-1438C>T on transcript NM_022552.5 (MANE Select); 1438 bases into the intron before coding-DNA position 640, C replaced by T.
Molecular consequence: intron variant. On other transcripts: synonymous variant (1).
Genome position (GRCh38, 1-based): chr2:25,249,690, G>A on the plus strand (C>T on the coding strand, the complement: DNMT3A is on the minus strand). VCF-style: chr2-25249690-G-A. GRCh37 (hg19) VCF-style: chr2-25472559-G-A.
Other names: c.39C>T, p.Arg13= (NM_153759.3); c.640-1438C>T (NM_175629.2); c.184-1438C>T (NM_001320893.1); c.-30-1438C>T (NM_001375819.1).
Identifiers: ClinVar variation 3030751 (VCV003030751.2), dbSNP rs377437429, ClinGen allele CA1556366.